The following is an entry in ClinVar:

ClinVar aggregate classification (germline): Conflicting classifications of pathogenicity. Review status: criteria provided, conflicting classifications (1 of 4 stars). 5 submissions from 5 submitters: Pathogenic (1); Likely pathogenic (3); Uncertain significance (1). Last evaluated 2025-06-25.

Conditions:
Neuronal ceroid lipofuscinosis. Also called: Neuronal Ceroid Lipofuscinoses. Identifiers: Orphanet 216, Orphanet 79263, MedGen C0027877, MONDO:0016295. Disease mechanism: loss of function.
Ceroid lipofuscinosis, neuronal, 6A. Also called: CLN6-Related Neuronal Ceroid-Lipofuscinosis; Neuronal ceroid lipofuscinosis, late infantile, variant; Neuronal ceroid lipofuscinosis, Gypsy/Indian early juvenile variant; Neuronal ceroid lipofuscinosis 6. Identifiers: Orphanet 168491, Orphanet 228363, MedGen C5551375, MONDO:0011144, OMIM 601780.
Ceroid lipofuscinosis, neuronal, 6B (Kufs type). Also called: Neuronal ceroid lipofuscinosis 4A. Identifiers: Orphanet 700477, MedGen C5561927, MONDO:0008768, OMIM 204300.

Allele frequency attached by ClinVar (database versions not stated): gnomAD exomes below 0.00001; TOPMed below 0.00001; ExAC 0.00001.

Submissions (5):

Women's Health and Genetics/Laboratory Corporation of America, LabCorp
Classification: Likely pathogenic for Neuronal ceroid lipofuscinosis. Last evaluated: 2025-06-25. Review status: criteria provided, single submitter. Criteria: LabCorp Variant Classification Summary - May 2015. Collection method: clinical testing. Allele origin: germline.
Comment: Variant summary: CLN6 c.721A>G (p.Met241Val) results in a conservative amino acid change in the encoded protein sequence. Algorithms developed to predict the effect of missense changes on protein structure and function are either unavailable or do not agree on the potential impact of this missense change. The frequency data for this variant in gnomAD is considered unreliable, as metrics indicate poor data quality at this position. c.721A>G has been observed in three individuals with Kufs disease (example: Berkovic_2019, Canafoglia_2021). These data indicate that the variant may be associated with disease. To our knowledge, no experimental evidence demonstrating an impact on protein function has been reported. Additionally, at least two missense variants at the Met241 residue have been reported as likely pathogenic/pathogenic in ClinVar (c.722T>C/p.Met241Thr and c.723G>C /p.Met241Ile), suggesting this codon could be critical for normal function of the protein. The following publications have been ascertained in the context of this evaluation (PMID: 30561534, 34786481). ClinVar contains an entry for this variant (Variation ID: 595733). Based on the evidence outlined above, the variant was classified as likely pathogenic.

Fulgent Genetics
Classification: Likely pathogenic for Ceroid lipofuscinosis, neuronal, 6B (Kufs type); Ceroid lipofuscinosis, neuronal, 6A. Last evaluated: 2024-04-19. Review status: criteria provided, single submitter. Criteria: ACMG Guidelines, 2015. Collection method: clinical testing. Allele origin: germline.

Labcorp Genetics (formerly Invitae), Labcorp
Classification: Likely pathogenic for Neuronal ceroid lipofuscinosis. Last evaluated: 2023-06-15. Review status: criteria provided, single submitter. Criteria: Invitae Variant Classification Sherloc (09022015). Collection method: clinical testing. Allele origin: germline.
Comment: This sequence change replaces methionine, which is neutral and non-polar, with valine, which is neutral and non-polar, at codon 241 of the CLN6 protein (p.Met241Val). This variant is present in population databases (rs753994750, gnomAD 0.0009%). This missense change has been observed in individuals with Kufs disease (PMID: 30561534). ClinVar contains an entry for this variant (Variation ID: 595733). Advanced modeling of protein sequence and biophysical properties (such as structural, functional, and spatial information, amino acid conservation, physicochemical variation, residue mobility, and thermodynamic stability) performed at Invitae indicates that this missense variant is not expected to disrupt CLN6 protein function. This variant disrupts the p.Met241 amino acid residue in CLN6. Other variant(s) that disrupt this residue have been determined to be pathogenic (PMID: 30528883). This suggests that this residue is clinically significant, and that variants that disrupt this residue are likely to be disease-causing. In summary, the currently available evidence indicates that the variant is pathogenic, but additional data are needed to prove that conclusively. Therefore, this variant has been classified as Likely Pathogenic.

CeGaT Center for Human Genetics Tuebingen
Classification: Pathogenic. Last evaluated: 2019-12-01. Review status: criteria provided, single submitter. Criteria: CeGaT Center For Human Genetics Tuebingen Variant Classification Criteria Version 2. Collection method: clinical testing. Allele origin: germline. Affected: yes. Observed: 1 variant allele.

Eurofins Ntd Llc (ga)
Classification: Uncertain significance. Last evaluated: 2018-01-10. Review status: criteria provided, single submitter. Criteria: EGL Classification Definitions 2015. Collection method: clinical testing. Allele origin: germline. Observed: 2 variant alleles, 2 heterozygotes.

Literature cited by the submitters: PubMed 30561534 (cited by Women's Health and Genetics/Laboratory Corporation of America, LabCorp and Labcorp Genetics (formerly Invitae), Labcorp); PubMed 34786481 (cited by Women's Health and Genetics/Laboratory Corporation of America, LabCorp); PubMed 30528883 (cited by Labcorp Genetics (formerly Invitae), Labcorp).

NM_017882.3(CLN6):c.721A>G (p.Met241Val)

Gene: CLN6 (CLN6 transmembrane ER protein; minus strand). Cytogenetic location: 15q23.
Variant type: single nucleotide variant.
Coding change: c.721A>G on transcript NM_017882.3 (MANE Select); coding-DNA position 721, A replaced by G.
Protein change: p.Met241Val; replaces methionine 241 with valine.
Molecular consequence: missense variant.
Genome position (GRCh38, 1-based): chr15:68,208,355, T>C on the plus strand (A>G on the coding strand, the complement: CLN6 is on the minus strand). VCF-style: chr15-68208355-T-C. GRCh37 (hg19) VCF-style: chr15-68500693-T-C.
Other names: short protein forms M241V.
Identifiers: ClinVar variation 595733 (VCV000595733.53), dbSNP rs753994750, ClinGen allele CA7630482.